The following is an entry in ClinVar:

ClinVar aggregate classification (germline): Benign (1 of 4 stars; one submission).

Allele frequency attached by ClinVar (database versions not stated): 1000 Genomes Project 30x 0.98360; 1000 Genomes Project 0.98403; TOPMed 0.98509; gnomAD 0.98647 and 0.98727.
gnomAD v4.1: 150,310 of 152,226 alleles (99%); highest among the groups gnomAD compares: East Asian, 100%; 74,238 homozygotes.

Submission:

GeneDx
Classification: Benign. Last evaluated: 2018-06-14. Review status: criteria provided, single submitter. Criteria: GeneDx Variant Classification (06012015). Collection method: clinical testing. Allele origin: germline. Affected: yes.
Comment: This variant is considered likely benign or benign based on one or more of the following criteria: it is a conservative change, it occurs at a poorly conserved position in the protein, it is predicted to be benign by multiple in silico algorithms, and/or has population frequency not consistent with disease.

NM_003680.4(YARS1):c.906+224A>G

Gene: YARS1 (tyrosyl-tRNA synthetase 1; minus strand). Cytogenetic location: 1p35.1.
Variant type: single nucleotide variant.
Coding change: c.906+224A>G on transcript NM_003680.4 (MANE Select); 224 bases into the intron after coding-DNA position 906, A replaced by G.
Molecular consequence: intron variant.
Genome position (GRCh38, 1-based): chr1:32,786,138, T>C on the plus strand (A>G on the coding strand, the complement: YARS1 is on the minus strand). VCF-style: chr1-32786138-T-C. GRCh37 (hg19) VCF-style: chr1-33251739-T-C.
Identifiers: ClinVar variation 670337 (VCV000670337.1), dbSNP rs785415, ClinGen allele CA20278728.